The following is an entry in ClinVar:

ClinVar aggregate classification (germline): Uncertain significance. Review status: criteria provided, single submitter (1 of 4 stars). 2 submissions from 1 submitter: Uncertain significance (2). Last evaluated 2022-06-27.

Conditions:
Myopathy, centronuclear, 2 (CNM2). Also called: MYOTUBULAR MYOPATHY, AUTOSOMAL RECESSIVE. Identifiers: Orphanet 169186, MedGen CN031787, MONDO:0009709, OMIM 255200.
Autosomal recessive limb-girdle muscular dystrophy type 2W (MDRCMTT). Also called: Muscular dystrophy, limb-girdle, type 2W; Muscular dystrophy, autosomal recessive, with cardiomyopathy and triangular tongue. Identifiers: MedGen C4225192, MONDO:0014788, OMIM 616827.

Submissions (2):

Labcorp Genetics (formerly Invitae), Labcorp
Classification: Uncertain significance for Autosomal recessive limb-girdle muscular dystrophy type 2W. Last evaluated: 2022-06-27. Review status: criteria provided, single submitter. Criteria: Invitae Variant Classification Sherloc (09022015). Collection method: clinical testing. Allele origin: germline.
Comment: A gross deletion of the genomic region encompassing the full coding sequence of the LIMS2 gene has been identified. The current clinical and genetic evidence is not sufficient to establish whether loss-of-function variants in LIMS2 cause disease. The boundaries of this event are unknown as they extend beyond the assayed region for this gene and therefore may encompass additional genes. In summary, the available evidence is currently insufficient to determine the role of this variant in disease. Therefore, it has been classified as a Variant of Uncertain Significance. This variant has not been reported in the literature in individuals affected with LIMS2-related conditions.

Labcorp Genetics (formerly Invitae), Labcorp
Classification: Uncertain significance for Myopathy, centronuclear, 2. Last evaluated: 2022-06-27. Review status: criteria provided, single submitter. Criteria: Invitae Variant Classification Sherloc (09022015). Collection method: clinical testing. Allele origin: germline.
Comment: In summary, the available evidence is currently insufficient to determine the role of this variant in disease. Therefore, it has been classified as a Variant of Uncertain Significance. This variant has not been reported in the literature in individuals affected with BIN1-related conditions. A gross deletion of the genomic region encompassing the full coding sequence of the BIN1 gene has been identified. The current clinical and genetic evidence is not sufficient to establish whether loss-of-function variants in BIN1 cause disease. The boundaries of this event are unknown as they extend beyond the assayed region for this gene and therefore may encompass additional genes.

NC_000002.11:g.(?_127806102)_(128432598_?)del

Genes: MAP3K2 (mitogen-activated protein kinase kinase kinase 2; minus strand), MYO7B (myosin VIIB; plus strand), PROC (protein C, inactivator of coagulation factors Va and VIIIa; plus strand), IWS1 (interacts with SUPT6H, CTD assembly factor 1; minus strand), GPR17 (G protein-coupled receptor 17; plus strand) and 4 more. Cytogenetic location: 2q14.3.
Variant type: Deletion.
Identifiers: ClinVar variation 1410231 (VCV001410231.7).